The following is an entry in ClinVar:

ClinVar aggregate classification (germline): Uncertain significance (1 of 4 stars; one submission).

Allele frequency attached by ClinVar (database versions not stated): ExAC 0.00005; TOPMed 0.00006; gnomAD 0.00008.

Submission:

Labcorp Genetics (formerly Invitae), Labcorp
Classification: Uncertain significance. Last evaluated: 2023-04-06. Review status: criteria provided, single submitter. Criteria: Invitae Variant Classification Sherloc (09022015). Collection method: clinical testing. Allele origin: germline.
Comment: This sequence change falls in intron 4 of the KANK2 gene. It does not directly change the encoded amino acid sequence of the KANK2 protein. It affects a nucleotide within the consensus splice site. This variant is present in population databases (rs772508662, gnomAD 0.02%). This variant has not been reported in the literature in individuals affected with KANK2-related conditions. Variants that disrupt the consensus splice site are a relatively common cause of aberrant splicing (PMID: 17576681, 9536098). Algorithms developed to predict the effect of sequence changes on RNA splicing suggest that this variant is not likely to affect RNA splicing. In summary, the available evidence is currently insufficient to determine the role of this variant in disease. Therefore, it has been classified as a Variant of Uncertain Significance.

Literature cited by the submitters: PubMed 17576681; PubMed 9536098.

NM_001136191.3(KANK2):c.1249+6C>T

Gene: KANK2 (KN motif and ankyrin repeat domains 2; minus strand). Cytogenetic location: 19p13.2.
Variant type: single nucleotide variant.
Coding change: c.1249+6C>T on transcript NM_001136191.3 (MANE Select); 6 bases into the intron after coding-DNA position 1249, C replaced by T.
Molecular consequence: intron variant.
Genome position (GRCh38, 1-based): chr19:11,192,825, G>A on the plus strand (C>T on the coding strand, the complement: KANK2 is on the minus strand). VCF-style: chr19-11192825-G-A. GRCh37 (hg19) VCF-style: chr19-11303501-G-A.
Other names: c.1249+6C>T (NM_001379552.1, NM_001379553.1, NM_001379562.1 and 15 more transcripts).
Identifiers: ClinVar variation 2884952 (VCV002884952.3), dbSNP rs772508662, ClinGen allele CA9205865.